The following is an entry in ClinVar:

ClinVar aggregate classification (germline): Uncertain significance. Review status: criteria provided, multiple submitters, no conflicts (2 of 4 stars). 2 submissions from 2 submitters: Uncertain significance (2). Last evaluated 2026-06-01.

Conditions:
Inborn genetic diseases. Identifiers: MedGen C0950123, MeSH D030342.

Submissions (2):

Ambry Genetics
Classification: Uncertain significance for Inborn genetic diseases. Last evaluated: 2026-06-01. Review status: criteria provided, single submitter. Criteria: Ambry Variant Classification Scheme 2023. Collection method: clinical testing. Allele origin: germline.
Comment: The p.D1272E variant (also known as c.3816T>A), located in coding exon 1 of the SAMD9 gene, results from a T to A substitution at nucleotide position 3816. The aspartic acid at codon 1272 is replaced by glutamic acid, an amino acid with highly similar properties. This amino acid position is conserved. In addition, this alteration is predicted to be tolerated by in silico analysis. Based on the available evidence, the clinical significance of this variant remains unclear.

Labcorp Genetics (formerly Invitae), Labcorp
Classification: Uncertain significance. Last evaluated: 2022-02-19. Review status: criteria provided, single submitter. Criteria: Invitae Variant Classification Sherloc (09022015). Collection method: clinical testing. Allele origin: germline.
Comment: In summary, the available evidence is currently insufficient to determine the role of this variant in disease. Therefore, it has been classified as a Variant of Uncertain Significance. Algorithms developed to predict the effect of missense changes on protein structure and function (SIFT, PolyPhen-2, Align-GVGD) all suggest that this variant is likely to be tolerated. This variant has not been reported in the literature in individuals affected with SAMD9-related conditions. This variant is not present in population databases (gnomAD no frequency). This sequence change replaces aspartic acid, which is acidic and polar, with glutamic acid, which is acidic and polar, at codon 1272 of the SAMD9 protein (p.Asp1272Glu).

NM_017654.4(SAMD9):c.3816T>A (p.Asp1272Glu)

Gene: SAMD9 (sterile alpha motif domain containing 9; minus strand). Cytogenetic location: 7q21.2.
Variant type: single nucleotide variant.
Coding change: c.3816T>A on transcript NM_017654.4 (MANE Select); coding-DNA position 3816, T replaced by A.
Protein change: p.Asp1272Glu; replaces aspartic acid 1272 with glutamic acid.
Molecular consequence: missense variant.
Genome position (GRCh38, 1-based): chr7:93,102,282, A>T on the plus strand (T>A on the coding strand, the complement: SAMD9 is on the minus strand). VCF-style: chr7-93102282-A-T. GRCh37 (hg19) VCF-style: chr7-92731595-A-T.
Other names: c.3816T>A (NM_017654.3); c.3816T>A, p.Asp1272Glu (NM_001193307.2); short protein forms D1272E.
Identifiers: ClinVar variation 1961496 (VCV001961496.6), dbSNP rs2535354643, ClinGen allele CA368182453.